The following is an entry in ClinVar:

ClinVar aggregate classification (germline): Pathogenic (1 of 4 stars; one submission).

Conditions:
Hereditary cancer-predisposing syndrome. Also called: Neoplastic Syndromes, Hereditary; Tumor predisposition; Hereditary Cancer Syndrome; Hereditary neoplastic syndrome. Identifiers: Orphanet 140162, MedGen C0027672, MeSH D009386, MONDO:0015356.

Submission:

Ambry Genetics
Classification: Pathogenic for Hereditary cancer-predisposing syndrome. Last evaluated: 2026-05-26. Review status: criteria provided, single submitter. Criteria: Ambry Variant Classification Scheme 2023. Collection method: clinical testing. Allele origin: germline.
Comment: The c.522dupT pathogenic mutation, located in coding exon 3 of the CHEK2 gene, results from a duplication of T at nucleotide position 522, causing a translational frameshift with a predicted alternate stop codon (p.V175Cfs*11). This variant is considered to be rare based on population cohorts in the Genome Aggregation Database (gnomAD). This alteration is expected to result in loss of function by premature protein truncation or nonsense-mediated mRNA decay. As such, this alteration is interpreted as a disease-causing mutation. This amino acid position is well conserved in available vertebrate species.

NM_007194.4(CHEK2):c.522dup (p.Val175fs)

Gene: CHEK2 (checkpoint kinase 2; minus strand). Cytogenetic location: 22q12.1.
Variant type: Duplication.
Coding change: c.522dup on transcript NM_007194.4 (MANE Select); coding-DNA position 522, one base duplicated (T; older notation c.522dupT).
Protein change: p.Val175fs; shifts the reading frame from valine 175.
Molecular consequence: frameshift variant. On other transcripts: 5 prime UTR variant (2), intron variant (1).
Genome position (GRCh38, 1-based): chr22:28,725,047, A duplicated on the plus strand (T on the coding strand, the reverse complement: CHEK2 is on the minus strand); the first of 2 consecutive A bases (chr22:28,725,047-28,725,048); duplicating either gives the same sequence. VCF-style (leftmost placement, unchanged base first): chr22-28725046-C-CA. GRCh37 (hg19) VCF-style: chr22-29121034-C-CA.
Other names: c.651dup, p.Val218fs (NM_001005735.3, NM_001438294.1); c.-256dup (NM_001257387.3); c.-142dup (NM_001437942.1); c.615dup, p.Val206fs (NM_001438293.1, NM_001438295.1); c.522dup, p.Val175fs (NM_145862.3); c.445-124dup (NM_001349956.3); short protein forms V175fs, V206fs, V218fs.
Identifiers: ClinVar variation 4868940 (VCV004868940.1).